The following is an entry in ClinVar:

NM_020832.3(ZNF687):c.1844C>T (p.Pro615Leu)

Gene: ZNF687 (zinc finger protein 687; plus strand). Cytogenetic location: 1q21.3.
Variant type: single nucleotide variant.
Coding change: c.1844C>T on transcript NM_020832.3 (MANE Select); coding-DNA position 1844, C replaced by T.
Protein change: p.Pro615Leu; replaces proline 615 with leucine.
Molecular consequence: missense variant.
Genome position (GRCh38, 1-based): chr1:151,288,135, C>T. VCF-style: chr1-151288135-C-T. GRCh37 (hg19) VCF-style: chr1-151260611-C-T.
Other names: c.1844C>T, p.Pro615Leu (NM_001304763.2, NM_001304764.2); c.1844C>T (NM_020832.1); short protein forms P615L.
Identifiers: ClinVar variation 2184854 (VCV002184854.5), dbSNP rs373311825, ClinGen allele CA1088400.

ClinVar aggregate classification (germline): Uncertain significance. Review status: criteria provided, multiple submitters, no conflicts (2 of 4 stars). 2 submissions from 2 submitters: Uncertain significance (2). Last evaluated 2025-02-22.

Allele frequency attached by ClinVar (database versions not stated): gnomAD exomes 0.00001; ExAC 0.00003; ESP Exome Variant Server 0.00008; gnomAD 0.00013; TOPMed 0.00019.
gnomAD v4.1: 37 of 1,613,746 alleles (0.0023%); highest among the groups gnomAD compares: African/African-American, 0.045%; no homozygotes.

Submissions (2):

Ambry Genetics
Classification: Uncertain significance. Last evaluated: 2025-02-22. Review status: criteria provided, single submitter. Criteria: Ambry Variant Classification Scheme 2023. Collection method: clinical testing. Allele origin: germline.

Labcorp Genetics (formerly Invitae), Labcorp
Classification: Uncertain significance. Last evaluated: 2024-06-24. Review status: criteria provided, single submitter. Criteria: Invitae Variant Classification Sherloc (09022015). Collection method: clinical testing. Allele origin: germline.
Comment: This sequence change replaces proline, which is neutral and non-polar, with leucine, which is neutral and non-polar, at codon 615 of the ZNF687 protein (p.Pro615Leu). This variant is present in population databases (rs373311825, gnomAD 0.05%). This variant has not been reported in the literature in individuals affected with ZNF687-related conditions. ClinVar contains an entry for this variant (Variation ID: 2184854). An algorithm developed to predict the effect of missense changes on protein structure and function (PolyPhen-2) suggests that this variant is likely to be disruptive. In summary, the available evidence is currently insufficient to determine the role of this variant in disease. Therefore, it has been classified as a Variant of Uncertain Significance.